The following is an entry in ClinVar:

NM_006946.4(SPTBN2):c.5308G>A (p.Ala1770Thr)

Gene: SPTBN2 (spectrin beta, non-erythrocytic 2; minus strand). Cytogenetic location: 11q13.2.
Variant type: single nucleotide variant.
Coding change: c.5308G>A on transcript NM_006946.4 (MANE Select); coding-DNA position 5308, G replaced by A.
Protein change: p.Ala1770Thr; replaces alanine 1770 with threonine.
Molecular consequence: missense variant.
Genome position (GRCh38, 1-based): chr11:66,691,541, C>T on the plus strand (G>A on the coding strand, the complement: SPTBN2 is on the minus strand). VCF-style: chr11-66691541-C-T. GRCh37 (hg19) VCF-style: chr11-66459012-C-T.
Other names: c.5308G>A (NM_006946.2); short protein forms A1770T.
Identifiers: ClinVar variation 1349861 (VCV001349861.9), dbSNP rs372114770, ClinGen allele CA6128301.

ClinVar aggregate classification (germline): Uncertain significance. Review status: criteria provided, multiple submitters, no conflicts (2 of 4 stars). 2 submissions from 2 submitters: Uncertain significance (2). Last evaluated 2025-08-05.

Conditions:
Inborn genetic diseases. Identifiers: MedGen C0950123, MeSH D030342.

Allele frequency attached by ClinVar (database versions not stated): gnomAD exomes below 0.00001 and 0.00001; ExAC 0.00001; TOPMed 0.00002; ESP Exome Variant Server 0.00008.
gnomAD v4.1: 3 of 1,613,150 alleles (0.00019%); highest among the groups gnomAD compares: African/African-American, 0.0027%; no homozygotes.

Submissions (2):

Ambry Genetics
Classification: Uncertain significance for Inborn genetic diseases. Last evaluated: 2025-08-05. Review status: criteria provided, single submitter. Criteria: Ambry Variant Classification Scheme 2023. Collection method: clinical testing. Allele origin: germline.

Labcorp Genetics (formerly Invitae), Labcorp
Classification: Uncertain significance. Last evaluated: 2023-05-15. Review status: criteria provided, single submitter. Criteria: Invitae Variant Classification Sherloc (09022015). Collection method: clinical testing. Allele origin: germline.
Comment: Advanced modeling of protein sequence and biophysical properties (such as structural, functional, and spatial information, amino acid conservation, physicochemical variation, residue mobility, and thermodynamic stability) performed at Invitae indicates that this missense variant is not expected to disrupt SPTBN2 protein function. ClinVar contains an entry for this variant (Variation ID: 1349861). This variant has not been reported in the literature in individuals affected with SPTBN2-related conditions. The frequency data for this variant in the population databases is considered unreliable, as metrics indicate poor data quality at this position in the gnomAD database. This sequence change replaces alanine, which is neutral and non-polar, with threonine, which is neutral and polar, at codon 1770 of the SPTBN2 protein (p.Ala1770Thr). In summary, the available evidence is currently insufficient to determine the role of this variant in disease. Therefore, it has been classified as a Variant of Uncertain Significance.